The following is an entry in ClinVar:

ClinVar aggregate classification (germline): Likely benign. Review status: criteria provided, multiple submitters, no conflicts (2 of 4 stars). 3 submissions from 3 submitters: Likely benign (2). 1 of the submissions does not count toward it. Last evaluated 2026-01-12.

Conditions:
Cortical dysplasia-focal epilepsy syndrome (PTHSL1). Also called: Pitt-Hopkins-like syndrome 1. Identifiers: Orphanet 163681, Orphanet 221150, MedGen C2750246, MONDO:0012400, OMIM 610042.
CNTNAP2-related disorder. Also called: CNTNAP2-related condition.

Allele frequency attached by ClinVar (database versions not stated): ExAC 0.00001.
gnomAD v4.1: 15 of 1,614,032 alleles (0.00093%); highest among the groups gnomAD compares: Non-Finnish European, 0.0013%; no homozygotes.

Submissions (3):

Labcorp Genetics (formerly Invitae), Labcorp
Classification: Likely benign for Cortical dysplasia-focal epilepsy syndrome. Last evaluated: 2026-01-12. Review status: criteria provided, single submitter. Criteria: Invitae Variant Classification Sherloc (09022015). Collection method: clinical testing. Allele origin: germline.

Blueprint Genetics
Classification: Likely benign. Last evaluated: 2023-05-18. Review status: criteria provided, single submitter. Criteria: ACMG Guidelines, 2015. Collection method: clinical testing. Allele origin: germline.

PreventionGenetics, part of Exact Sciences
Classification: Likely benign for CNTNAP2-related condition. Last evaluated: 2019-03-29. Review status: no assertion criteria provided. Collection method: clinical testing. Allele origin: germline. Not counted in ClinVar's aggregate classification.
Comment: This variant is classified as likely benign based on ACMG/AMP sequence variant interpretation guidelines (Richards et al. 2015 PMID: 25741868, with internal and published modifications).

NM_014141.6(CNTNAP2):c.3669C>G (p.Pro1223=)

Gene: CNTNAP2 (contactin associated protein 2; plus strand). Cytogenetic location: 7q36.1.
Variant type: single nucleotide variant.
Coding change: c.3669C>G on transcript NM_014141.6 (MANE Select); coding-DNA position 3669, C replaced by G.
Protein change: p.Pro1223=; no amino-acid change (proline 1223 retained).
Molecular consequence: synonymous variant.
Genome position (GRCh38, 1-based): chr7:148,383,842, C>G. VCF-style: chr7-148383842-C-G. GRCh37 (hg19) VCF-style: chr7-148080934-C-G.
Other names: c.3669C>G (NM_014141.5).
Identifiers: ClinVar variation 2038040 (VCV002038040.7), dbSNP rs769335032, ClinGen allele CA4546724.